The following is an entry in ClinVar:

ClinVar aggregate classification (germline): Conflicting classifications of pathogenicity. Review status: criteria provided, conflicting classifications (1 of 4 stars). 2 submissions from 2 submitters: Uncertain significance (1); Likely benign (1). Last evaluated 2026-08-01.

Allele frequency attached by ClinVar (database versions not stated): gnomAD 0.00087; TOPMed 0.00089; ESP Exome Variant Server 0.00125; gnomAD exomes 0.00149; ExAC 0.00158; 1000 Genomes Project 30x 0.00172; 1000 Genomes Project 0.00180.
gnomAD v4.1: 2,293 of 1,613,890 alleles (0.14%); highest among the groups gnomAD compares: South Asian, 0.48%; 4 homozygotes.

Submissions (2):

CeGaT Center for Human Genetics Tuebingen
Classification: Likely benign. Last evaluated: 2026-08-01. Review status: criteria provided, single submitter. Criteria: CeGaT Center For Human Genetics Tuebingen Variant Classification Criteria Version 2. Collection method: clinical testing. Allele origin: germline. Affected: yes. Observed: 6 variant alleles.
Comment: TET3: BP4, BS1

GeneDx
Classification: Uncertain significance. Last evaluated: 2023-01-21. Review status: criteria provided, single submitter. Criteria: GeneDx Variant Classification Process June 2021. Collection method: clinical testing. Allele origin: germline. Affected: yes.
Comment: In silico analysis supports that this missense variant does not alter protein structure/function; Has not been previously published as pathogenic or benign to our knowledge

NM_001287491.2(TET3):c.1637C>T (p.Thr546Ile)

Gene: TET3 (tet methylcytosine dioxygenase 3; plus strand). Cytogenetic location: 2p13.1.
Variant type: single nucleotide variant.
Coding change: c.1637C>T on transcript NM_001287491.2 (MANE Select); coding-DNA position 1637, C replaced by T.
Protein change: p.Thr546Ile; replaces threonine 546 with isoleucine.
Molecular consequence: missense variant.
Genome position (GRCh38, 1-based): chr2:74,047,554, C>T. VCF-style: chr2-74047554-C-T. GRCh37 (hg19) VCF-style: chr2-74274681-C-T.
Other names: c.1358C>T, p.Thr453Ile (NM_001366022.1); c.1232C>T, p.Thr411Ile (NM_144993.1); short protein forms T411I, T453I, T546I.
Identifiers: ClinVar variation 2573857 (VCV002573857.20), dbSNP rs183678709, ClinGen allele CA1718647.